The following is an entry in ClinVar:

ClinVar aggregate classification (germline): Likely pathogenic. Review status: criteria provided, multiple submitters, no conflicts (2 of 4 stars). 2 submissions from 2 submitters: Likely pathogenic (2). Last evaluated 2024-04-04.

Conditions:
Autosomal recessive limb-girdle muscular dystrophy type 2G (LGMDR7). Also called: MUSCULAR DYSTROPHY, LIMB-GIRDLE, AUTOSOMAL RECESSIVE 7; Telethoninopathy; Limb-girdle muscular dystrophy, type 2G. Identifiers: Orphanet 34514, MedGen C1866008, MONDO:0011170, OMIM 601954.

Submissions (2):

Genomic Medicine Center of Excellence, King Faisal Specialist Hospital and Research Centre
Classification: Likely pathogenic for Autosomal recessive limb-girdle muscular dystrophy type 2G. Last evaluated: 2024-04-04. Review status: criteria provided, single submitter. Criteria: ACMG Guidelines, 2015. Collection method: clinical testing. Allele origin: germline.

GeneDx
Classification: Likely pathogenic. Last evaluated: 2016-07-26. Review status: criteria provided, single submitter. Criteria: GeneDx Variant Classification (06012015). Collection method: clinical testing. Allele origin: germline. Affected: yes.
Comment: c.110+5 G>T: IVS1+5 G>T in intron 1 of the TCAP gene (NM_003673.3). Although the c.110+5 G>T variant has not been reported as a disease-causing mutation or as a benign polymorphism to our knowledge, this variant destroys the natural splice donor site in intron 5 and is predicted to cause abnormal gene splicing. The variant is predicted to lead to either an abnormal message that is subject to nonsense-mediated mRNA decay, or to an abnormal protein product if the message is used for protein translation. Additionally, the c.110+5 G>T variant was not observed in approximately 6,500 individuals of European and African American ancestry in the NHLBI Exome Sequencing Project, indicating it is not a common benign variant in these populations. Furthermore, a two nucleotide deletion involving the same splice junction has been published in association with limb-girdle muscular dystrophy (Moreira et al., 2000). Therefore, this variant is a strong candidate for a pathogenic mutation, however the possibility that it is a benign variant cannot be excluded.

NM_003673.4(TCAP):c.110+5G>T

Gene: TCAP (titin-cap; plus strand). Cytogenetic location: 17q12.
Variant type: single nucleotide variant.
Coding change: c.110+5G>T on transcript NM_003673.4 (MANE Select); 5 bases into the intron after coding-DNA position 110, G replaced by T.
Molecular consequence: intron variant.
Genome position (GRCh38, 1-based): chr17:39,665,474, G>T. VCF-style: chr17-39665474-G-T. GRCh37 (hg19) VCF-style: chr17-37821727-G-T.
Identifiers: ClinVar variation 202113 (VCV000202113.3), dbSNP rs794729178, ClinGen allele CA308852.